The following is an entry in ClinVar:

ClinVar aggregate classification (germline): Likely benign. Review status: criteria provided, multiple submitters, no conflicts (2 of 4 stars). 3 submissions from 3 submitters: Likely benign (2). 1 of the submissions does not count toward it. Last evaluated 2025-11-24.

Conditions:
Inborn genetic diseases. Identifiers: MedGen C0950123, MeSH D030342.
CHD7-related disorder. Also called: CHD7-related condition.
CHARGE syndrome (CHARGE). Also called: Hittner Hirsch Kreh syndrome; CHARGE ASSOCIATION--COLOBOMA, HEART ANOMALY, CHOANAL ATRESIA, RETARDATION, GENITAL AND EAR ANOMALIES; Coloboma, heart anomaly, choanal atresia, retardation, genital and ear anomalies; CHARGE association; Hall-Hittner syndrome. Identifiers: Orphanet 138, MedGen C0265354, MONDO:0008965.

Allele frequency attached by ClinVar (database versions not stated): gnomAD exomes 0.00001 and 0.00004; gnomAD 0.00002; TOPMed 0.00003.
gnomAD v4.1: 63 of 1,598,424 alleles (0.0039%); highest among the groups gnomAD compares: Non-Finnish European, 0.0053%; no homozygotes.

Submissions (3):

Labcorp Genetics (formerly Invitae), Labcorp
Classification: Likely benign for CHARGE syndrome. Last evaluated: 2025-11-24. Review status: criteria provided, single submitter. Criteria: Invitae Variant Classification Sherloc (09022015). Collection method: clinical testing. Allele origin: germline.

Ambry Genetics
Classification: Likely benign for Inborn genetic diseases. Last evaluated: 2024-09-17. Review status: criteria provided, single submitter. Criteria: Ambry Variant Classification Scheme 2023. Collection method: clinical testing. Allele origin: germline.

PreventionGenetics, part of Exact Sciences
Classification: Likely benign for CHD7-related condition. Last evaluated: 2020-07-23. Review status: no assertion criteria provided. Collection method: clinical testing. Allele origin: germline. Not counted in ClinVar's aggregate classification.
Comment: This variant is classified as likely benign based on ACMG/AMP sequence variant interpretation guidelines (Richards et al. 2015 PMID: 25741868, with internal and published modifications).

NM_017780.4(CHD7):c.2523A>G (p.Ala841=)

Gene: CHD7 (chromodomain helicase DNA binding protein 7; plus strand). Cytogenetic location: 8q12.2.
Variant type: single nucleotide variant.
Coding change: c.2523A>G on transcript NM_017780.4 (MANE Select); coding-DNA position 2523, A replaced by G.
Protein change: p.Ala841=; no amino-acid change (alanine 841 retained).
Molecular consequence: synonymous variant. On other transcripts: intron variant (1).
Genome position (GRCh38, 1-based): chr8:60,816,411, A>G. VCF-style: chr8-60816411-A-G. GRCh37 (hg19) VCF-style: chr8-61728970-A-G.
Other names: c.1716+35361A>G (NM_001316690.1); c.2523A>G (NM_017780.3).
Identifiers: ClinVar variation 1081809 (VCV001081809.12), dbSNP rs970128606, ClinGen allele CA177326576.